The following is an entry in ClinVar:

NM_144772.3(NAXE):c.145T>C (p.Ser49Pro)

Gene: NAXE (NAD(P)HX epimerase; plus strand). Cytogenetic location: 1q22.
Variant type: single nucleotide variant.
Coding change: c.145T>C on transcript NM_144772.3 (MANE Select); coding-DNA position 145, T replaced by C.
Protein change: p.Ser49Pro; replaces serine 49 with proline.
Molecular consequence: missense variant.
Genome position (GRCh38, 1-based): chr1:156,591,949, T>C. VCF-style: chr1-156591949-T-C. GRCh37 (hg19) VCF-style: chr1-156561741-T-C.
Other names: short protein forms S49P.
Identifiers: ClinVar variation 4774054 (VCV004774054.1).

ClinVar aggregate classification (germline): Uncertain significance (1 of 4 stars; one submission).

Submission:

Labcorp Genetics (formerly Invitae), Labcorp
Classification: Uncertain significance. Last evaluated: 2025-05-13. Review status: criteria provided, single submitter. Criteria: Invitae Variant Classification Sherloc (09022015). Collection method: clinical testing. Allele origin: germline.
Comment: This sequence change replaces serine, which is neutral and polar, with proline, which is neutral and non-polar, at codon 49 of the NAXE protein (p.Ser49Pro). This variant is not present in population databases (gnomAD no frequency). This variant has not been reported in the literature in individuals affected with NAXE-related conditions. An algorithm developed to predict the effect of missense changes on protein structure and function outputs the following: PolyPhen-2: "Benign". The proline amino acid residue is found in multiple mammalian species, which suggests that this missense change does not adversely affect protein function. In summary, the available evidence is currently insufficient to determine the role of this variant in disease. Therefore, it has been classified as a Variant of Uncertain Significance.